The following is an entry in ClinVar:

NM_000361.3(THBD):c.1197C>T (p.His399=)

Gene: THBD (thrombomodulin; minus strand). Cytogenetic location: 20p11.21.
Variant type: single nucleotide variant.
Coding change: c.1197C>T on transcript NM_000361.3 (MANE Select); coding-DNA position 1197, C replaced by T.
Protein change: p.His399=; no amino-acid change (histidine 399 retained).
Molecular consequence: synonymous variant.
Genome position (GRCh38, 1-based): chr20:23,048,308, G>A on the plus strand (C>T on the coding strand, the complement: THBD is on the minus strand). VCF-style: chr20-23048308-G-A. GRCh37 (hg19) VCF-style: chr20-23028945-G-A.
Identifiers: ClinVar variation 1945458 (VCV001945458.8), dbSNP rs774012895, ClinGen allele CA9787601.

ClinVar aggregate classification (germline): Likely benign. Review status: criteria provided, multiple submitters, no conflicts (2 of 4 stars). 4 submissions from 4 submitters: Likely benign (4). Last evaluated 2025-09-22.

Conditions:
THBD-related disorder. Also called: THBD-related condition.
Thrombomodulin-related bleeding disorder (THPH12). Also called: Thrombophilia due to thrombomodulin defect. Identifiers: Orphanet 436169, MedGen C3280976, MONDO:0013775, OMIM 614486.

Allele frequency attached by ClinVar (database versions not stated): gnomAD 0.00001; ExAC 0.00002; TOPMed 0.00002.
gnomAD v4.1: 91 of 1,613,776 alleles (0.0056%); highest among the groups gnomAD compares: Non-Finnish European, 0.0072%; no homozygotes.

Submissions (4):

Genomenon, Inc
Classification: Likely benign for Thrombomodulin-related bleeding disorder. Last evaluated: 2025-09-22. Review status: criteria provided, single submitter. Criteria: Genomenon Sequence Variant Interpretation Standards - Updated. Collection method: curation. Allele origin: germline. Affected: no.
Comment: THBD p.His399= (c.1197C>T) is a synonymous variant that retains Histidine at residue 399. This variant has been reported in the published literature (PMID:16507317). This synonymous variant is not predicted to impact splicing and does not affect a conserved nucleotide. It is absent or not present at a significant frequency in gnomAD. In conclusion, we classify THBD p.His399= (c.1197C>T) as a likely benign variant.

PreventionGenetics, part of Exact Sciences
Classification: Likely benign for THBD-related condition. Last evaluated: 2024-11-20. Review status: criteria provided, single submitter. Criteria: ACMG Guidelines, 2015. Collection method: clinical testing. Allele origin: germline.
Comment: This variant is classified as likely benign based on ACMG/AMP sequence variant interpretation guidelines (Richards et al. 2015 PMID: 25741868, with internal and published modifications).

Labcorp Genetics (formerly Invitae), Labcorp
Classification: Likely benign. Last evaluated: 2024-07-17. Review status: criteria provided, single submitter. Criteria: Invitae Variant Classification Sherloc (09022015). Collection method: clinical testing. Allele origin: germline.

Blueprint Genetics
Classification: Likely benign. Last evaluated: 2023-07-17. Review status: criteria provided, single submitter. Criteria: ACMG Guidelines, 2015. Collection method: clinical testing. Allele origin: germline.

Literature cited by the submitters: PubMed 16507317 (cited by Genomenon, Inc).